The following is an entry in ClinVar:

ClinVar aggregate classification (germline): Uncertain significance. Review status: criteria provided, multiple submitters, no conflicts (2 of 4 stars). 3 submissions from 3 submitters: Uncertain significance (3). Last evaluated 2026-09-23.

Conditions:
Usher syndrome type 3B. Also called: USHER SYNDROME, TYPE IIIB. Identifiers: MedGen C3281066, MONDO:0013788, OMIM 614504.

Allele frequency attached by ClinVar (database versions not stated): gnomAD exomes 0.00001 and 0.00003.
gnomAD v4.1: 47 of 1,614,210 alleles (0.0029%); highest among the groups gnomAD compares: Non-Finnish European, 0.0039%; no homozygotes.

Submissions (3):

GeneDx
Classification: Uncertain significance. Last evaluated: 2026-09-23. Review status: criteria provided, single submitter. Criteria: GeneDx Variant Classification Process June 2021. Collection method: clinical testing. Allele origin: germline.
Comment: In silico analysis supports that this missense variant has a deleterious effect on protein structure/function; Has not been previously published as pathogenic or benign to our knowledge

Ambry Genetics
Classification: Uncertain significance. Last evaluated: 2025-08-24. Review status: criteria provided, single submitter. Criteria: Ambry Variant Classification Scheme 2023. Collection method: clinical testing. Allele origin: germline.

Labcorp Genetics (formerly Invitae), Labcorp
Classification: Uncertain significance for Usher syndrome type 3B. Last evaluated: 2024-10-23. Review status: criteria provided, single submitter. Criteria: Invitae Variant Classification Sherloc (09022015). Collection method: clinical testing. Allele origin: germline.
Comment: This sequence change replaces glutamine, which is neutral and polar, with histidine, which is basic and polar, at codon 469 of the HARS protein (p.Gln469His). This variant is present in population databases (no rsID available, gnomAD 0.002%). This variant has not been reported in the literature in individuals affected with HARS-related conditions. ClinVar contains an entry for this variant (Variation ID: 1024208). Invitae Evidence Modeling of protein sequence and biophysical properties (such as structural, functional, and spatial information, amino acid conservation, physicochemical variation, residue mobility, and thermodynamic stability) indicates that this missense variant is not expected to disrupt HARS protein function with a negative predictive value of 80%. In summary, the available evidence is currently insufficient to determine the role of this variant in disease. Therefore, it has been classified as a Variant of Uncertain Significance.

NM_002109.6(HARS1):c.1407G>C (p.Gln469His)

Gene: HARS1 (histidyl-tRNA synthetase 1; minus strand). Cytogenetic location: 5q31.3.
Variant type: single nucleotide variant.
Coding change: c.1407G>C on transcript NM_002109.6 (MANE Select); coding-DNA position 1407, G replaced by C.
Protein change: p.Gln469His; replaces glutamine 469 with histidine.
Molecular consequence: missense variant.
Genome position (GRCh38, 1-based): chr5:140,674,730, C>G on the plus strand (G>C on the coding strand, the complement: HARS1 is on the minus strand). VCF-style: chr5-140674730-C-G. GRCh37 (hg19) VCF-style: chr5-140054315-C-G.
Other names: c.1407G>C (NM_002109.5); c.1287G>C, p.Gln429His (NM_001258040.3); c.1347G>C, p.Gln449His (NM_001258041.3); c.1227G>C, p.Gln409His (NM_001258042.3); c.1185G>C, p.Gln395His (NM_001289092.2); c.1065G>C, p.Gln355His (NM_001289093.2); c.1320G>C, p.Gln440His (NM_001289094.2); short protein forms Q355H, Q395H, Q409H, Q429H, Q440H, Q449H, Q469H.
Identifiers: ClinVar variation 1024208 (VCV001024208.13), dbSNP rs1405966952, ClinGen allele CA361247106.